The following is an entry in ClinVar:

NM_004385.5(VCAN):c.3437G>A (p.Ser1146Asn)

Gene: VCAN (versican; plus strand). Cytogenetic location: 5q14.3.
Variant type: single nucleotide variant.
Coding change: c.3437G>A on transcript NM_004385.5 (MANE Select); coding-DNA position 3437, G replaced by A.
Protein change: p.Ser1146Asn; replaces serine 1146 with asparagine.
Molecular consequence: missense variant. On other transcripts: intron variant (2).
Genome position (GRCh38, 1-based): chr5:83,521,743, G>A. VCF-style: chr5-83521743-G-A. GRCh37 (hg19) VCF-style: chr5-82817562-G-A.
Other names: c.3437G>A, p.Ser1146Asn (NM_001164098.2); c.1042+9347G>A (NM_001164097.2, NM_001126336.3); c.3437G>A (NM_004385.4); short protein forms S1146N.
Identifiers: ClinVar variation 1402209 (VCV001402209.7), dbSNP rs781121274, ClinGen allele CA3333010.

ClinVar aggregate classification (germline): Uncertain significance. Review status: criteria provided, multiple submitters, no conflicts (2 of 4 stars). 2 submissions from 2 submitters: Uncertain significance (2). Last evaluated 2025-11-28.

Conditions:
Inborn genetic diseases. Identifiers: MedGen C0950123, MeSH D030342.

Allele frequency attached by ClinVar (database versions not stated): TOPMed 0.00001; gnomAD exomes 0.00002 and 0.00004; ExAC 0.00003; gnomAD 0.00005 and 0.00006.
gnomAD v4.1: 36 of 1,613,942 alleles (0.0022%); highest among the groups gnomAD compares: Admixed American, 0.0067%; no homozygotes.

Submissions (2):

Labcorp Genetics (formerly Invitae), Labcorp
Classification: Uncertain significance. Last evaluated: 2025-11-28. Review status: criteria provided, single submitter. Criteria: Invitae Variant Classification Sherloc (09022015). Collection method: clinical testing. Allele origin: germline.
Comment: This sequence change replaces serine, which is neutral and polar, with asparagine, which is neutral and polar, at codon 1146 of the VCAN protein (p.Ser1146Asn). This variant is present in population databases (rs781121274, gnomAD 0.01%). This variant has not been reported in the literature in individuals affected with VCAN-related conditions. ClinVar contains an entry for this variant (Variation ID: 1402209). An algorithm developed to predict the effect of missense changes on protein structure and function (PolyPhen-2) suggests that this variant is likely to be disruptive. In summary, the available evidence is currently insufficient to determine the role of this variant in disease. Therefore, it has been classified as a Variant of Uncertain Significance.

Ambry Genetics
Classification: Uncertain significance for Inborn genetic diseases. Last evaluated: 2024-11-26. Review status: criteria provided, single submitter. Criteria: Ambry Variant Classification Scheme 2023. Collection method: clinical testing. Allele origin: germline.